The following is an entry in ClinVar:

NM_152564.5(VPS13B):c.7999G>A (p.Val2667Met)

Gene: VPS13B (vacuolar protein sorting 13 homolog B; plus strand). Cytogenetic location: 8q22.2.
Variant type: single nucleotide variant.
Coding change: c.7999G>A on transcript NM_152564.5 (MANE Select); coding-DNA position 7999, G replaced by A.
Protein change: p.Val2667Met; replaces valine 2667 with methionine.
Molecular consequence: missense variant.
Genome position (GRCh38, 1-based): chr8:99,809,432, G>A. VCF-style: chr8-99809432-G-A. GRCh37 (hg19) VCF-style: chr8-100821660-G-A.
Other names: c.8074G>A, p.Val2692Met (NM_017890.5); short protein forms V2667M, V2692M.
Identifiers: ClinVar variation 588189 (VCV000588189.19), dbSNP rs1250056053, ClinGen allele CA371769777.

ClinVar aggregate classification (germline): Uncertain significance. Review status: criteria provided, multiple submitters, no conflicts (2 of 4 stars). 2 submissions from 2 submitters: Uncertain significance (2). Last evaluated 2024-10-01.

Conditions:
Inborn genetic diseases. Identifiers: MedGen C0950123, MeSH D030342.

Allele frequency attached by ClinVar (database versions not stated): gnomAD exomes below 0.00001 and 0.00001.
gnomAD v4.1: 2 of 1,614,006 alleles (0.00012%); highest among the groups gnomAD compares: South Asian, 0.0011%; no homozygotes.

Submissions (2):

CeGaT Center for Human Genetics Tuebingen
Classification: Uncertain significance. Last evaluated: 2024-10-01. Review status: criteria provided, single submitter. Criteria: CeGaT Center For Human Genetics Tuebingen Variant Classification Criteria Version 2. Collection method: clinical testing. Allele origin: germline. Affected: yes. Observed: 1 variant allele.
Comment: VPS13B: PM2

Ambry Genetics
Classification: Uncertain significance for Inborn genetic diseases. Last evaluated: 2016-08-23. Review status: criteria provided, single submitter. Criteria: Ambry Variant Classification Scheme 2023. Collection method: clinical testing. Allele origin: germline.
Comment: The p.V2692M variant (also known as c.8074G>A), located in coding exon 43 of the VPS13B gene, results from a G to A substitution at nucleotide position 8074. The valine at codon 2692 is replaced by methionine, an amino acid with highly similar properties. This variant was not reported in population based cohorts in the following databases: Database of Single Nucleotide Polymorphisms (dbSNP), NHLBI Exome Sequencing Project (ESP), and 1000 Genomes Project. In the ESP, this variant was not observed in 6503 samples (13006 alleles) with coverage at this position. This amino acid position is well conserved in available vertebrate species. In addition, the in silico prediction for this alteration is inconclusive. Since supporting evidence is limited at this time, the clinical significance of this variant remains unclear.